The following is an entry in ClinVar:

ClinVar aggregate classification (germline): Uncertain significance (1 of 4 stars; one submission).

Submission:

Labcorp Genetics (formerly Invitae), Labcorp
Classification: Uncertain significance. Last evaluated: 2023-10-23. Review status: criteria provided, single submitter. Criteria: Invitae Variant Classification Sherloc (09022015). Collection method: clinical testing. Allele origin: germline.
Comment: This sequence change replaces phenylalanine, which is neutral and non-polar, with serine, which is neutral and polar, at codon 380 of the SLC7A9 protein (p.Phe380Ser). This variant is not present in population databases (gnomAD no frequency). This variant has not been reported in the literature in individuals affected with SLC7A9-related conditions. Advanced modeling of protein sequence and biophysical properties (such as structural, functional, and spatial information, amino acid conservation, physicochemical variation, residue mobility, and thermodynamic stability) has been performed at Invitae for this missense variant, however the output from this modeling did not meet the statistical confidence thresholds required to predict the impact of this variant on SLC7A9 protein function. In summary, the available evidence is currently insufficient to determine the role of this variant in disease. Therefore, it has been classified as a Variant of Uncertain Significance.

NM_014270.5(SLC7A9):c.1139T>C (p.Phe380Ser)

Gene: SLC7A9 (solute carrier family 7 member 9; minus strand). Cytogenetic location: 19q13.11.
Variant type: single nucleotide variant.
Coding change: c.1139T>C on transcript NM_014270.5 (MANE Select); coding-DNA position 1139, T replaced by C.
Protein change: p.Phe380Ser; replaces phenylalanine 380 with serine.
Molecular consequence: missense variant.
Genome position (GRCh38, 1-based): chr19:32,842,253, A>G on the plus strand (T>C on the coding strand, the complement: SLC7A9 is on the minus strand). VCF-style: chr19-32842253-A-G. GRCh37 (hg19) VCF-style: chr19-33333159-A-G.
Other names: c.1139T>C, p.Phe380Ser (NM_001126335.2, NM_001243036.2); short protein forms F380S.
Identifiers: ClinVar variation 2771340 (VCV002771340.3), dbSNP rs2513556903, ClinGen allele CA405198097.